The following is an entry in ClinVar:

ClinVar aggregate classification (germline): Uncertain significance. Review status: criteria provided, multiple submitters, no conflicts (2 of 4 stars). 2 submissions from 2 submitters: Uncertain significance (2). Last evaluated 2025-10-07.

Conditions:
Inborn genetic diseases. Identifiers: MedGen C0950123, MeSH D030342.
Hyperekplexia 3 (HKPX3). Also called: HYPEREKPLEXIA 3, AUTOSOMAL RECESSIVE; HYPEREKPLEXIA 3, AUTOSOMAL DOMINANT. Identifiers: Orphanet 3197, MedGen C3553288, MONDO:0013827, OMIM 614618.

Allele frequency attached by ClinVar (database versions not stated): gnomAD exomes 0.00001 and 0.00002; ExAC 0.00002; gnomAD 0.00002; TOPMed 0.00002.
gnomAD v4.1: 13 of 1,614,016 alleles (0.00081%); highest among the groups gnomAD compares: African/African-American, 0.013%; no homozygotes.

Submissions (2):

Ambry Genetics
Classification: Uncertain significance for Inborn genetic diseases. Last evaluated: 2025-10-07. Review status: criteria provided, single submitter. Criteria: Ambry Variant Classification Scheme 2023. Collection method: clinical testing. Allele origin: germline.

Labcorp Genetics (formerly Invitae), Labcorp
Classification: Uncertain significance for Hyperekplexia 3. Last evaluated: 2022-03-13. Review status: criteria provided, single submitter. Criteria: Invitae Variant Classification Sherloc (09022015). Collection method: clinical testing. Allele origin: germline.
Comment: This sequence change replaces glycine, which is neutral and non-polar, with aspartic acid, which is acidic and polar, at codon 794 of the SLC6A5 protein (p.Gly794Asp). This variant is present in population databases (rs753579914, gnomAD 0.02%). This variant has not been reported in the literature in individuals affected with SLC6A5-related conditions. Advanced modeling of protein sequence and biophysical properties (such as structural, functional, and spatial information, amino acid conservation, physicochemical variation, residue mobility, and thermodynamic stability) performed at Invitae indicates that this missense variant is not expected to disrupt SLC6A5 protein function. In summary, the available evidence is currently insufficient to determine the role of this variant in disease. Therefore, it has been classified as a Variant of Uncertain Significance.

NM_004211.5(SLC6A5):c.2381G>A (p.Gly794Asp)

Gene: SLC6A5 (solute carrier family 6 member 5; plus strand). Cytogenetic location: 11p15.1.
Variant type: single nucleotide variant.
Coding change: c.2381G>A on transcript NM_004211.5 (MANE Select); coding-DNA position 2381, G replaced by A.
Protein change: p.Gly794Asp; replaces glycine 794 with aspartic acid.
Molecular consequence: missense variant.
Genome position (GRCh38, 1-based): chr11:20,654,855, G>A. VCF-style: chr11-20654855-G-A. GRCh37 (hg19) VCF-style: chr11-20676401-G-A.
Other names: c.1679G>A, p.Gly560Asp (NM_001318369.2); c.2381G>A (NM_004211.3); short protein forms G794D, G560D.
Identifiers: ClinVar variation 1351335 (VCV001351335.4), dbSNP rs753579914, ClinGen allele CA5921782.